The following is an entry in ClinVar:

NM_015272.5(RPGRIP1L):c.3617-2A>G

Gene: RPGRIP1L (RPGRIP1 like; minus strand). Cytogenetic location: 16q12.2.
Variant type: single nucleotide variant.
Coding change: c.3617-2A>G on transcript NM_015272.5 (MANE Select); the canonical splice acceptor site of the intron before coding-DNA position 3617, A replaced by G.
Molecular consequence: splice acceptor variant.
Genome position (GRCh38, 1-based): chr16:53,611,053, T>C on the plus strand (A>G on the coding strand, the complement: RPGRIP1L is on the minus strand). VCF-style: chr16-53611053-T-C. GRCh37 (hg19) VCF-style: chr16-53644965-T-C.
Other names: c.3377-2A>G (NM_001127897.4); c.3515-2A>G (NM_001330538.2); c.3479-2A>G (NM_001308334.3); c.3617-2A>G (NM_015272.4).
Identifiers: ClinVar variation 645794 (VCV000645794.9), dbSNP rs781683750, ClinGen allele CA281352825.

ClinVar aggregate classification (germline): Likely pathogenic. Review status: criteria provided, multiple submitters, no conflicts (2 of 4 stars). 3 submissions from 3 submitters: Likely pathogenic (2). 1 of the submissions does not count toward it. Last evaluated 2024-10-22.

Conditions:
RPGRIP1L-related disorder. Also called: RPGRIP1L-related disorders; RPGRIP1L-related condition. Identifiers: MedGen CN239416.
Joubert syndrome. Also called: JOUBERT-BOLTSHAUSER SYNDROME; Familial aplasia of the vermis. Identifiers: Orphanet 475, MedGen C5979921, MONDO:0018772.
Meckel-Gruber syndrome. Also called: DYSENCEPHALIA SPLANCHNOCYSTICA; GRUBER SYNDROME; Dysencephalia splachnocystica. Identifiers: Orphanet 564, MedGen C0265215, MONDO:0018921.

Allele frequency attached by ClinVar (database versions not stated): TOPMed below 0.00001; gnomAD 0.00001; gnomAD exomes 0.00001.

Submissions (3):

Blueprint Genetics
Classification: Likely pathogenic for RPGRIP1L-related disorders. Last evaluated: 2024-10-22. Review status: criteria provided, single submitter. Criteria: ACMG Guidelines, 2015. Collection method: clinical testing. Allele origin: germline. Affected: yes. Observed: 1 variant allele.

Labcorp Genetics (formerly Invitae), Labcorp
Classification: Likely pathogenic for Joubert syndrome; Meckel-Gruber syndrome. Last evaluated: 2022-07-06. Review status: criteria provided, single submitter. Criteria: Invitae Variant Classification Sherloc (09022015). Collection method: clinical testing. Allele origin: germline.
Comment: This variant has not been reported in the literature in individuals affected with RPGRIP1L-related conditions. In summary, the currently available evidence indicates that the variant is pathogenic, but additional data are needed to prove that conclusively. Therefore, this variant has been classified as Likely Pathogenic. Algorithms developed to predict the effect of sequence changes on RNA splicing suggest that this variant may disrupt the consensus splice site. ClinVar contains an entry for this variant (Variation ID: 645794). This variant is not present in population databases (gnomAD no frequency). This sequence change affects an acceptor splice site in intron 24 of the RPGRIP1L gene. It is expected to disrupt RNA splicing. Variants that disrupt the donor or acceptor splice site typically lead to a loss of protein function (PMID: 16199547), and loss-of-function variants in RPGRIP1L are known to be pathogenic (PMID: 17558409).

PreventionGenetics, part of Exact Sciences
Classification: Likely pathogenic for RPGRIP1L-related condition. Last evaluated: 2024-06-19. Review status: no assertion criteria provided. Collection method: clinical testing. Allele origin: germline. Not counted in ClinVar's aggregate classification.
Comment: The RPGRIP1L c.3617-2A>G variant is predicted to disrupt the AG splice acceptor site and interfere with normal splicing. To our knowledge this variant has not been reported in the literature or in a large population database, indicating this variant is rare. Variants that disrupt the consensus splice acceptor site in RPGRIP1L are expected to be pathogenic. This variant is interpreted as likely pathogenic.

Literature cited by the submitters: PubMed 16199547 (cited by Labcorp Genetics (formerly Invitae), Labcorp); PubMed 17558409 (cited by Labcorp Genetics (formerly Invitae), Labcorp).